The following is an entry in ClinVar:

NM_001999.4(FBN2):c.4177T>C (p.Cys1393Arg)

Gene: FBN2 (fibrillin 2; minus strand). Cytogenetic location: 5q23.3.
Variant type: single nucleotide variant.
Coding change: c.4177T>C on transcript NM_001999.4 (MANE Select); coding-DNA position 4177, T replaced by C.
Protein change: p.Cys1393Arg; replaces cysteine 1393 with arginine.
Molecular consequence: missense variant.
Genome position (GRCh38, 1-based): chr5:128,332,957, A>G on the plus strand (T>C on the coding strand, the complement: FBN2 is on the minus strand). VCF-style: chr5-128332957-A-G. GRCh37 (hg19) VCF-style: chr5-127668649-A-G.
Other names: short protein forms C1393R.
Identifiers: ClinVar variation 2699414 (VCV002699414.3), dbSNP rs2479791800, ClinGen allele CA360754900.

ClinVar aggregate classification (germline): Likely pathogenic (1 of 4 stars; one submission).

Conditions:
Congenital contractural arachnodactyly (CCA). Also called: Beals-Hecht syndrome; BEALS SYNDROME; Arthrogryposis, distal, type 9. Identifiers: Orphanet 115, MedGen C0220668, MONDO:0007363, OMIM 121050.

Submission:

Labcorp Genetics (formerly Invitae), Labcorp
Classification: Likely pathogenic for Congenital contractural arachnodactyly. Last evaluated: 2023-11-28. Review status: criteria provided, single submitter. Criteria: Invitae Variant Classification Sherloc (09022015). Collection method: clinical testing. Allele origin: germline.
Comment: This sequence change replaces cysteine, which is neutral and slightly polar, with arginine, which is basic and polar, at codon 1393 of the FBN2 protein (p.Cys1393Arg). This variant is not present in population databases (gnomAD no frequency). This variant has not been reported in the literature in individuals affected with FBN2-related conditions. Advanced modeling of protein sequence and biophysical properties (such as structural, functional, and spatial information, amino acid conservation, physicochemical variation, residue mobility, and thermodynamic stability) performed at Invitae indicates that this missense variant is expected to disrupt FBN2 protein function with a positive predictive value of 80%. This variant affects a cysteine residue located within an epidermal growth factor (EGF)–like domain of the FBN2 protein. Cysteine residues in these domains are involved in the formation of disulfide bridges critical for protein structure and stability (PMID: 3495735, 4750422, 16677079). In addition, missense substitutions within the FBN2 EGF-like domains affecting cysteine residues are overrepresented in patients with congenital contractural arachnodactyly (PMID: 18767143). In summary, the currently available evidence indicates that the variant is pathogenic, but additional data are needed to prove that conclusively. Therefore, this variant has been classified as Likely Pathogenic.

Literature cited by the submitters: PubMed 3495735; PubMed 4750422; PubMed 16677079; PubMed 18767143.